The following is an entry in ClinVar:

ClinVar aggregate classification (germline): Uncertain significance. Review status: criteria provided, multiple submitters, no conflicts (2 of 4 stars). 2 submissions from 2 submitters: Uncertain significance (2). Last evaluated 2025-06-18.

Allele frequency attached by ClinVar (database versions not stated): ExAC 0.00001; gnomAD 0.00001; gnomAD exomes 0.00001.
gnomAD v4.1: 14 of 1,614,106 alleles (0.00087%); highest among the groups gnomAD compares: South Asian, 0.015%; no homozygotes.

Submissions (2):

Ambry Genetics
Classification: Uncertain significance. Last evaluated: 2025-06-18. Review status: criteria provided, single submitter. Criteria: Ambry Variant Classification Scheme 2023. Collection method: clinical testing. Allele origin: germline.

Labcorp Genetics (formerly Invitae), Labcorp
Classification: Uncertain significance. Last evaluated: 2023-05-18. Review status: criteria provided, single submitter. Criteria: Invitae Variant Classification Sherloc (09022015). Collection method: clinical testing. Allele origin: germline.
Comment: In summary, the available evidence is currently insufficient to determine the role of this variant in disease. Therefore, it has been classified as a Variant of Uncertain Significance. Advanced modeling of protein sequence and biophysical properties (such as structural, functional, and spatial information, amino acid conservation, physicochemical variation, residue mobility, and thermodynamic stability) performed at Invitae indicates that this missense variant is not expected to disrupt MCM4 protein function. ClinVar contains an entry for this variant (Variation ID: 1468416). This variant has not been reported in the literature in individuals affected with MCM4-related conditions. This variant is present in population databases (rs745883715, gnomAD 0.01%). This sequence change replaces serine, which is neutral and polar, with alanine, which is neutral and non-polar, at codon 750 of the MCM4 protein (p.Ser750Ala).

NM_182746.3(MCM4):c.2248T>G (p.Ser750Ala)

Gene: MCM4 (minichromosome maintenance complex component 4; plus strand). Cytogenetic location: 8q11.21.
Variant type: single nucleotide variant.
Coding change: c.2248T>G on transcript NM_182746.3 (MANE Select); coding-DNA position 2248, T replaced by G.
Protein change: p.Ser750Ala; replaces serine 750 with alanine.
Molecular consequence: missense variant.
Genome position (GRCh38, 1-based): chr8:47,974,845, T>G. VCF-style: chr8-47974845-T-G. GRCh37 (hg19) VCF-style: chr8-48887405-T-G.
Other names: c.2248T>G, p.Ser750Ala (NM_005914.4); c.2248T>G (NM_005914.3); short protein forms S750A.
Identifiers: ClinVar variation 1468416 (VCV001468416.5), dbSNP rs745883715, ClinGen allele CA4742861.